The following is an entry in ClinVar:

ClinVar aggregate classification (germline): Uncertain significance (1 of 4 stars; one submission).

Conditions:
Idiopathic generalized epilepsy. Also called: EIG; Generalised epilepsy. Identifiers: MedGen C0270850, MONDO:0005579, OMIM 600669.
Hyperaldosteronism, familial, type IV (HALD4). Also called: FH IV; ALDOSTERONISM, PRIMARY, AND HYPERTENSION. Identifiers: Orphanet 642671, MedGen C4310756, MONDO:0014875, OMIM 617027.

Allele frequency attached by ClinVar (database versions not stated): ExAC 0.00001.

Submission:

Labcorp Genetics (formerly Invitae), Labcorp
Classification: Uncertain significance for Idiopathic generalized epilepsy; Hyperaldosteronism, familial, type IV. Last evaluated: 2023-03-08. Review status: criteria provided, single submitter. Criteria: Invitae Variant Classification Sherloc (09022015). Collection method: clinical testing. Allele origin: germline.
Comment: This sequence change replaces proline, which is neutral and non-polar, with alanine, which is neutral and non-polar, at codon 2190 of the CACNA1H protein (p.Pro2190Ala). This variant is present in population databases (rs755095100, gnomAD 0.005%). This variant has not been reported in the literature in individuals affected with CACNA1H-related conditions. Advanced modeling of protein sequence and biophysical properties (such as structural, functional, and spatial information, amino acid conservation, physicochemical variation, residue mobility, and thermodynamic stability) performed at Invitae indicates that this missense variant is not expected to disrupt CACNA1H protein function. In summary, the available evidence is currently insufficient to determine the role of this variant in disease. Therefore, it has been classified as a Variant of Uncertain Significance.

NM_021098.3(CACNA1H):c.6568C>G (p.Pro2190Ala)

Gene: CACNA1H (calcium voltage-gated channel subunit alpha1 H; plus strand). Cytogenetic location: 16p13.3.
Variant type: single nucleotide variant.
Coding change: c.6568C>G on transcript NM_021098.3 (MANE Select); coding-DNA position 6568, C replaced by G.
Protein change: p.Pro2190Ala; replaces proline 2190 with alanine.
Molecular consequence: missense variant.
Genome position (GRCh38, 1-based): chr16:1,220,500, C>G. VCF-style: chr16-1220500-C-G. GRCh37 (hg19) VCF-style: chr16-1270500-C-G.
Other names: c.6550C>G, p.Pro2184Ala (NM_001005407.2); short protein forms P2184A, P2190A.
Identifiers: ClinVar variation 2953667 (VCV002953667.3), dbSNP rs755095100, ClinGen allele CA7802419.